The following is an entry in ClinVar:

ClinVar aggregate classification (germline): Uncertain significance. Review status: criteria provided, multiple submitters, no conflicts (2 of 4 stars). 2 submissions from 2 submitters: Uncertain significance (2). Last evaluated 2022-04-19.

Conditions:
Hereditary cancer-predisposing syndrome. Also called: Neoplastic Syndromes, Hereditary; Tumor predisposition; Hereditary Cancer Syndrome; Hereditary neoplastic syndrome. Identifiers: Orphanet 140162, MedGen C0027672, MeSH D009386, MONDO:0015356.
Gorlin syndrome. Also called: Nevoid Basal Cell Carcinoma Syndrome; Basal cell nevus syndrome. Identifiers: Orphanet 377, MedGen C0004779, MONDO:0007187.

Allele frequency attached by ClinVar (database versions not stated): gnomAD exomes 0.00001; ExAC 0.00003.
gnomAD v4.1: 5 of 1,614,106 alleles (0.00031%); highest among the groups gnomAD compares: Non-Finnish European, 0.00042%; no homozygotes.

Submissions (2):

Ambry Genetics
Classification: Uncertain significance for Hereditary cancer-predisposing syndrome. Last evaluated: 2022-04-19. Review status: criteria provided, single submitter. Criteria: Ambry Variant Classification Scheme 2023. Collection method: clinical testing. Allele origin: germline.
Comment: The p.S985L variant (also known as c.2954C>T), located in coding exon 18 of the PTCH1 gene, results from a C to T substitution at nucleotide position 2954. The serine at codon 985 is replaced by leucine, an amino acid with dissimilar properties. This amino acid position is conserved. In addition, the in silico prediction for this alteration is inconclusive. Since supporting evidence is limited at this time, the clinical significance of this alteration remains unclear.

Labcorp Genetics (formerly Invitae), Labcorp
Classification: Uncertain significance for Gorlin syndrome. Last evaluated: 2021-02-04. Review status: criteria provided, single submitter. Criteria: Invitae Variant Classification Sherloc (09022015). Collection method: clinical testing. Allele origin: germline.
Comment: In summary, the available evidence is currently insufficient to determine the role of this variant in disease. Therefore, it has been classified as a Variant of Uncertain Significance. Algorithms developed to predict the effect of missense changes on protein structure and function (SIFT, PolyPhen-2, Align-GVGD) all suggest that this variant is likely to be tolerated, but these predictions have not been confirmed by published functional studies and their clinical significance is uncertain. This variant has not been reported in the literature in individuals with PTCH1-related disease. This variant is present in population databases (rs760297274, ExAC 0.005%). This sequence change replaces serine with leucine at codon 985 of the PTCH1 protein (p.Ser985Leu). The serine residue is moderately conserved and there is a large physicochemical difference between serine and leucine.

NM_000264.5(PTCH1):c.2954C>T (p.Ser985Leu)

Gene: PTCH1 (patched 1; minus strand). Cytogenetic location: 9q22.32.
Variant type: single nucleotide variant.
Coding change: c.2954C>T on transcript NM_000264.5 (MANE Select); coding-DNA position 2954, C replaced by T.
Protein change: p.Ser985Leu; replaces serine 985 with leucine.
Molecular consequence: missense variant. On other transcripts: non-coding transcript variant (1).
Genome position (GRCh38, 1-based): chr9:95,458,227, G>A on the plus strand (C>T on the coding strand, the complement: PTCH1 is on the minus strand). VCF-style: chr9-95458227-G-A. GRCh37 (hg19) VCF-style: chr9-98220509-G-A.
Other names: c.2756C>T, p.Ser919Leu (NM_001083602.3); c.2951C>T, p.Ser984Leu (NM_001083603.3); c.2501C>T, p.Ser834Leu (NM_001083604.3, NM_001083605.3, NM_001083606.3 and 1 more transcripts); c.2798C>T, p.Ser933Leu (NM_001354918.2); short protein forms S919L, S985L, S984L, S834L, S933L.
Identifiers: ClinVar variation 524534 (VCV000524534.12), dbSNP rs760297274, ClinGen allele CA5138277.